The following is an entry in ClinVar:

ClinVar aggregate classification (germline): Uncertain significance. Review status: criteria provided, multiple submitters, no conflicts (2 of 4 stars). 3 submissions from 3 submitters: Uncertain significance (3). Last evaluated 2026-01-13.

Conditions:
Hereditary cancer-predisposing syndrome. Also called: Neoplastic Syndromes, Hereditary; Hereditary Cancer Syndrome; Tumor predisposition; Hereditary neoplastic syndrome. Identifiers: Orphanet 140162, MedGen C0027672, MeSH D009386, MONDO:0015356.
Bloom syndrome (BLM). Also called: Bloom-Torre-Machacek syndrome. Identifiers: Orphanet 125, MedGen C0005859, MONDO:0008876, OMIM 210900.

Allele frequency attached by ClinVar (database versions not stated): gnomAD exomes 0.00001.
gnomAD v4.1: 4 of 1,614,092 alleles (0.00025%); highest among the groups gnomAD compares: Admixed American, 0.0033%; no homozygotes.

Submissions (3):

Labcorp Genetics (formerly Invitae), Labcorp
Classification: Uncertain significance for Bloom syndrome. Last evaluated: 2026-01-13. Review status: criteria provided, single submitter. Criteria: Invitae Variant Classification Sherloc (09022015). Collection method: clinical testing. Allele origin: germline.
Comment: This sequence change replaces leucine, which is neutral and non-polar, with phenylalanine, which is neutral and non-polar, at codon 1151 of the BLM protein (p.Leu1151Phe). This variant is present in population databases (no rsID available, gnomAD 0.006%). This variant has not been reported in the literature in individuals affected with BLM-related conditions. ClinVar contains an entry for this variant (Variation ID: 929220). Invitae Evidence Modeling of protein sequence and biophysical properties (such as structural, functional, and spatial information, amino acid conservation, physicochemical variation, residue mobility, and thermodynamic stability) has been performed for this missense variant. However, the output from this modeling did not meet the statistical confidence thresholds required to predict the impact of this variant on BLM protein function. In summary, the available evidence is currently insufficient to determine the role of this variant in disease. Therefore, it has been classified as a Variant of Uncertain Significance.

Ambry Genetics
Classification: Uncertain significance for Hereditary cancer-predisposing syndrome. Last evaluated: 2024-05-07. Review status: criteria provided, single submitter. Criteria: Ambry Variant Classification Scheme 2023. Collection method: clinical testing. Allele origin: germline.
Comment: The p.L1151F variant (also known as c.3451C>T), located in coding exon 17 of the BLM gene, results from a C to T substitution at nucleotide position 3451. The leucine at codon 1151 is replaced by phenylalanine, an amino acid with highly similar properties. This amino acid position is conserved. In addition, the in silico prediction for this alteration is inconclusive. Since supporting evidence is limited at this time, the clinical significance of this alteration remains unclear.

Women's Health and Genetics/Laboratory Corporation of America, LabCorp
Classification: Uncertain significance. Last evaluated: 2019-07-26. Review status: criteria provided, single submitter. Criteria: LabCorp Variant Classification Summary - May 2015. Collection method: clinical testing. Allele origin: germline.
Comment: Variant summary: BLM c.3451C>T (p.Leu1151Phe) results in a non-conservative amino acid change located in the RQC domain (IPR018982) of the encoded protein sequence. Four of five in-silico tools predict a damaging effect of the variant on protein function. The variant allele was found at a frequency of 8e-06 in 251352 control chromosomes (gnomAD). The available data on variant occurrences in the general population are insufficient to allow any conclusion about variant significance. To our knowledge, no occurrence of c.3451C>T in individuals affected with Bloom Syndrome and no experimental evidence demonstrating its impact on protein function have been reported. No submitters have provided clinical-significance assessments for this variant to ClinVar after 2014. Based on the evidence outlined above, the variant was classified as uncertain significance.

NM_000057.4(BLM):c.3451C>T (p.Leu1151Phe)

Gene: BLM (BLM RecQ like helicase; plus strand). Cytogenetic location: 15q26.1.
Variant type: single nucleotide variant.
Coding change: c.3451C>T on transcript NM_000057.4 (MANE Select); coding-DNA position 3451, C replaced by T.
Protein change: p.Leu1151Phe; replaces leucine 1151 with phenylalanine.
Molecular consequence: missense variant. On other transcripts: intron variant (1).
Genome position (GRCh38, 1-based): chr15:90,803,613, C>T. VCF-style: chr15-90803613-C-T. GRCh37 (hg19) VCF-style: chr15-91346843-C-T.
Other names: c.3451C>T, p.Leu1151Phe (NM_001287246.2); c.2326C>T, p.Leu776Phe (NM_001287248.2); c.3358+5276C>T (NM_001287247.2); short protein forms L1151F, L776F.
Identifiers: ClinVar variation 929220 (VCV000929220.9), dbSNP rs1469527799, ClinGen allele CA393847623.
Genomic context (GRCh38, chr15:90,803,613, plus strand): 5'-TTTGGAAAAGGATCTGCTTATTCACGACACAATGCCGAAAGACTTTTTAAAAAGCTGATA[C>T]TTGACAAGATTTTGGATGAAGACTTATATATCAATGCCAATGACCAGGCGATCGCTTATG-3'
Protein context (NP_000048.1, residues 1141-1161): NAERLFKKLI[Leu1151Phe]DKILDEDLYI